The following is an entry in ClinVar:

NM_017763.6(RNF43):c.837C>T (p.Phe279=)

Gene: RNF43 (ring finger protein 43; minus strand). Cytogenetic location: 17q22.
Variant type: single nucleotide variant.
Coding change: c.837C>T on transcript NM_017763.6 (MANE Select); coding-DNA position 837, C replaced by T.
Protein change: p.Phe279=; no amino-acid change (phenylalanine 279 retained).
Molecular consequence: synonymous variant.
Genome position (GRCh38, 1-based): chr17:58,360,795, G>A on the plus strand (C>T on the coding strand, the complement: RNF43 is on the minus strand). VCF-style: chr17-58360795-G-A. GRCh37 (hg19) VCF-style: chr17-56438156-G-A.
Other names: c.837C>T (NM_017763.4); c.837C>T, p.Phe279= (NM_001305544.3); c.456C>T, p.Phe152= (NM_001305545.2).
Identifiers: ClinVar variation 1158409 (VCV001158409.45), dbSNP rs141997049, ClinGen allele CA8673297.

ClinVar aggregate classification (germline): Benign/Likely benign. Review status: criteria provided, multiple submitters, no conflicts (2 of 4 stars). 7 submissions from 7 submitters: Benign (1); Likely benign (6). Last evaluated 2026-07-01.

Conditions:
Sessile serrated polyposis cancer syndrome (SSPCS). Identifiers: Orphanet 157798, MedGen C4310714, MONDO:0014919, OMIM 617108.

Allele frequency attached by ClinVar (database versions not stated): ExAC 0.00025; gnomAD 0.00044; ESP Exome Variant Server 0.00062; gnomAD exomes 0.00031.
gnomAD v4.1: 1,140 of 1,611,300 alleles (0.071%); highest among the groups gnomAD compares: Middle Eastern, 0.099%; 1 homozygote.

Submissions (7):

Myriad Genetics, Inc.
Classification: Benign for Sessile serrated polyposis cancer syndrome. Last evaluated: 2026-07-01. Review status: criteria provided, single submitter. Criteria: Myriad Autosomal Dominant, Autosomal Recessive and X-Linked Classification Criteria (2023). Collection method: clinical testing. Allele origin: unknown.
Comment: This variant is considered benign. This variant is a silent/synonymous amino acid change and it is not expected to impact splicing.

Labcorp Genetics (formerly Invitae), Labcorp
Classification: Likely benign. Last evaluated: 2026-02-04. Review status: criteria provided, single submitter. Criteria: Invitae Variant Classification Sherloc (09022015). Collection method: clinical testing. Allele origin: germline.

Center for Genomic Medicine, Rigshospitalet, Copenhagen University Hospital
Classification: Likely benign. Last evaluated: 2025-03-04. Review status: criteria provided, single submitter. Criteria: ACMG Guidelines, 2015. Collection method: clinical testing. Allele origin: germline.

CeGaT Center for Human Genetics Tuebingen
Classification: Likely benign. Last evaluated: 2025-01-01. Review status: criteria provided, single submitter. Criteria: CeGaT Center For Human Genetics Tuebingen Variant Classification Criteria Version 2. Collection method: clinical testing. Allele origin: germline. Affected: yes. Observed: 2 variant alleles.
Comment: RNF43: BP4, BP7

Ambry Genetics
Classification: Likely benign. Last evaluated: 2024-11-17. Review status: criteria provided, single submitter. Criteria: Ambry Variant Classification Scheme 2023. Collection method: clinical testing. Allele origin: germline.

Blueprint Genetics
Classification: Likely benign. Last evaluated: 2024-05-23. Review status: criteria provided, single submitter. Criteria: ACMG Guidelines, 2015. Collection method: clinical testing. Allele origin: germline.

Department of Pathology and Laboratory Medicine, Sinai Health System
Classification: Likely benign for Sessile serrated polyposis cancer syndrome. Last evaluated: 2024-01-09. Review status: criteria provided, single submitter. Criteria: ACMG Guidelines, 2015. Collection method: clinical testing. Allele origin: germline. Affected: no.